The following is an entry in ClinVar:

NM_201384.3(PLEC):c.5828AGCTGG[2] (p.1943EL[2])

Gene: PLEC (plectin; minus strand). Cytogenetic location: 8q24.3.
Variant type: Microsatellite.
Coding change: c.5828AGCTGG[2] on transcript NM_201384.3 (MANE Select); two copies in a row of the 6-base unit AGCTGG starting at c.5828; the reference has three copies in a row; one copy, 6 bases deleted.
Protein change: p.1943EL[2].
Molecular consequence: inframe deletion.
Genome position (GRCh38, 1-based): chr8:143,924,084-143,924,089, CCAGCT deleted on the plus strand (AGCTGG on the coding strand, the reverse complement: PLEC is on the minus strand); deleting any 6 consecutive bases within chr8:143,924,084-143,924,103 gives the same sequence; the position shown is the placement nearest the transcript's 3' end. VCF-style (leftmost placement, unchanged base first): chr8-143924083-CCCAGCT-C. GRCh37 (hg19) VCF-style: chr8-144998251-CCCAGCT-C.
Other names: c.5921_5926del (NM_000445.4, NM_000445.5); c.5909AGCTGG[2], p.1970EL[2] (NM_000445.5); c.5786AGCTGG[2], p.1929EL[2] (NM_201378.4); c.5762AGCTGG[2], p.1921EL[2] (NM_201379.3); c.6239AGCTGG[2], p.2080EL[2] (NM_201380.4); c.5732AGCTGG[2], p.1911EL[2] (NM_201381.3); c.5828AGCTGG[2], p.1943EL[2] (NM_201382.4); c.5840AGCTGG[2], p.1947EL[2] (NM_201383.3).
Identifiers: ClinVar variation 639648 (VCV000639648.34), dbSNP rs782811601, ClinGen allele CA4926220.

ClinVar aggregate classification (germline): Uncertain significance. Review status: criteria provided, multiple submitters, no conflicts (2 of 4 stars). 3 submissions from 3 submitters: Uncertain significance (3). Last evaluated 2024-08-31.

Conditions:
Autosomal recessive limb-girdle muscular dystrophy type 2Q (LGMDR17). Also called: MUSCULAR DYSTROPHY, LIMB-GIRDLE, AUTOSOMAL RECESSIVE 17. Identifiers: Orphanet 254361, MedGen C3150989, MONDO:0013390, OMIM 613723.
Epidermolysis bullosa simplex with nail dystrophy (EBS5D). Identifiers: MedGen C4225309, MONDO:0014661, OMIM 616487.
Epidermolysis bullosa simplex 5B, with muscular dystrophy (EBS5B). Also called: Epidermolysis bullosa simplex with muscular dystrophy; EPIDERMOLYSIS BULLOSA SIMPLEX AND LIMB-GIRDLE MUSCULAR DYSTROPHY. Identifiers: Orphanet 257, MedGen C2931072, MONDO:0009181, OMIM 226670.
Epidermolysis bullosa simplex, Ogna type (EBS5A). Also called: EPIDERMOLYSIS BULLOSA SIMPLEX 5A, OGNA TYPE; Pidermolysis bullosa simplex 5A, Ogna type. Identifiers: Orphanet 79401, MedGen C0432317, MONDO:0007555, OMIM 131950.
Epidermolysis bullosa simplex 5C, with pyloric atresia (EBS5C). Also called: PLEC-Related Epidermolysis Bullosa with Pyloric Atresia; PLEC1-Related Epidermolysis Bullosa with Pyloric Atresia; Epidermolysis bullosa simplex with pyloric atresia. Identifiers: Orphanet 158684, MedGen C2677349, MONDO:0012807, OMIM 612138.

Submissions (3):

Labcorp Genetics (formerly Invitae), Labcorp
Classification: Uncertain significance for Autosomal recessive limb-girdle muscular dystrophy type 2Q; Epidermolysis bullosa simplex, Ogna type; Epidermolysis bullosa simplex with nail dystrophy; Epidermolysis bullosa simplex 5C, with pyloric atresia; Epidermolysis bullosa simplex 5B, with muscular dystrophy. Last evaluated: 2024-08-31. Review status: criteria provided, single submitter. Criteria: Invitae Variant Classification Sherloc (09022015). Collection method: clinical testing. Allele origin: germline.
Comment: This variant, c.5921_5926del, results in the deletion of 2 amino acid(s) of the PLEC protein (p.Glu1974_Leu1975del), but otherwise preserves the integrity of the reading frame. This variant is present in population databases (rs782811601, gnomAD 0.006%). This variant has not been reported in the literature in individuals affected with PLEC-related conditions. ClinVar contains an entry for this variant (Variation ID: 639648). Experimental studies and prediction algorithms are not available or were not evaluated, and the functional significance of this variant is currently unknown. In summary, the available evidence is currently insufficient to determine the role of this variant in disease. Therefore, it has been classified as a Variant of Uncertain Significance.

CeGaT Center for Human Genetics Tuebingen
Classification: Uncertain significance. Last evaluated: 2022-07-01. Review status: criteria provided, single submitter. Criteria: CeGaT Center For Human Genetics Tuebingen Variant Classification Criteria Version 2. Collection method: clinical testing. Allele origin: germline. Affected: yes. Observed: 1 variant allele.

Revvity Omics, Revvity
Classification: Uncertain significance. Last evaluated: 2021-07-12. Review status: criteria provided, single submitter. Criteria: ACMG Guidelines, 2015. Collection method: clinical testing. Allele origin: germline.